The following is an entry in ClinVar:

NM_001370298.3(FGD4):c.1943A>G (p.Glu648Gly)

Gene: FGD4 (FYVE, RhoGEF and PH domain containing 4; plus strand). Cytogenetic location: 12p11.21.
Variant type: single nucleotide variant.
Coding change: c.1943A>G on transcript NM_001370298.3 (MANE Select); coding-DNA position 1943, A replaced by G.
Protein change: p.Glu648Gly; replaces glutamic acid 648 with glycine.
Molecular consequence: missense variant.
Genome position (GRCh38, 1-based): chr12:32,624,442, A>G. VCF-style: chr12-32624442-A-G. GRCh37 (hg19) VCF-style: chr12-32777376-A-G.
Other names: c.1787A>G, p.Glu596Gly (NM_001304481.2); c.788A>G, p.Glu263Gly (NM_001304483.2); c.500A>G, p.Glu167Gly (NM_001304484.2); c.1253A>G, p.Glu418Gly (NM_001330373.2, NM_001330374.2, NM_001384130.1); c.980A>G, p.Glu327Gly (NM_001370297.1); c.1943A>G, p.Glu648Gly (NM_001384126.1); c.1532A>G, p.Glu511Gly (NM_001384127.1, NM_001384128.1, NM_001385118.1 and 1 more transcripts); short protein forms E327G, E596G, E167G, E418G, E263G, E511G, E648G.
Identifiers: ClinVar variation 1774649 (VCV001774649.2), dbSNP rs2540776088, ClinGen allele CA384366036.

ClinVar aggregate classification (germline): Uncertain significance (1 of 4 stars; one submission).

Conditions:
Inborn genetic diseases. Identifiers: MedGen C0950123, MeSH D030342.

Allele frequency attached by ClinVar (database versions not stated): gnomAD exomes below 0.00001.
gnomAD v4.1: 2 of 1,602,686 alleles (0.00012%); highest among the groups gnomAD compares: Non-Finnish European, 0.00017%; no homozygotes.

Submission:

Ambry Genetics
Classification: Uncertain significance for Inborn genetic diseases. Last evaluated: 2021-11-11. Review status: criteria provided, single submitter. Criteria: Ambry Variant Classification Scheme 2023. Collection method: clinical testing. Allele origin: germline.
Comment: The p.E511G variant (also known as c.1532A>G), located in coding exon 10 of the FGD4 gene, results from an A to G substitution at nucleotide position 1532. The glutamic acid at codon 511 is replaced by glycine, an amino acid with similar properties. This amino acid position is conserved. In addition, the in silico prediction for this alteration is inconclusive. Since supporting evidence is limited at this time, the clinical significance of this alteration remains unclear.